The following is an entry in ClinVar:

ClinVar aggregate classification (germline): Uncertain significance (1 of 4 stars; one submission).

Conditions:
GP1BA-related disorder. Also called: GP1BA-related condition.

Submission:

PreventionGenetics, part of Exact Sciences
Classification: Uncertain significance for GP1BA-related condition. Last evaluated: 2022-12-29. Review status: criteria provided, single submitter. Criteria: ACMG Guidelines, 2015. Collection method: clinical testing. Allele origin: germline.
Comment: The GP1BA c.1937G>A variant is predicted to result in the amino acid substitution p.Arg646Lys. To our knowledge, this variant has not been reported in the literature or in a large population database, indicating this variant is rare. At this time, the clinical significance of this variant is uncertain due to the absence of conclusive functional and genetic evidence.

NM_000173.7(GP1BA):c.1937G>A (p.Arg646Lys)

Genes: GP1BA (glycoprotein Ib platelet subunit alpha; plus strand), LOC130060044 (ATAC-STARR-seq lymphoblastoid active region 11554; plus strand). Cytogenetic location: 17p13.2.
Variant type: single nucleotide variant.
Coding change: c.1937G>A on transcript NM_000173.7 (MANE Select); coding-DNA position 1937, G replaced by A.
Protein change: p.Arg646Lys; replaces arginine 646 with lysine.
Molecular consequence: missense variant.
Genome position (GRCh38, 1-based): chr17:4,934,541, G>A. VCF-style: chr17-4934541-G-A. GRCh37 (hg19) VCF-style: chr17-4837836-G-A.
Other names: short protein forms R646K.
Identifiers: ClinVar variation 2629608 (VCV002629608.1), dbSNP rs1669168171, ClinGen allele CA397322961.